The following is an entry in ClinVar:

NM_003235.5(TG):c.5695C>T (p.Gln1899Ter)

Gene: TG (thyroglobulin; plus strand). Cytogenetic location: 8q24.22.
Variant type: single nucleotide variant.
Coding change: c.5695C>T on transcript NM_003235.5 (MANE Select); coding-DNA position 5695, C replaced by T.
Protein change: p.Gln1899Ter; replaces glutamine 1899 with a stop codon.
Molecular consequence: nonsense.
Genome position (GRCh38, 1-based): chr8:132,967,802, C>T. VCF-style: chr8-132967802-C-T. GRCh37 (hg19) VCF-style: chr8-133980047-C-T.
Other names: short protein forms Q1899*.
Identifiers: ClinVar variation 2981202 (VCV002981202.3), dbSNP rs1450178339, ClinGen allele CA372233993.

ClinVar aggregate classification (germline): Pathogenic (1 of 4 stars; one submission).

Allele frequency attached by ClinVar (database versions not stated): TOPMed below 0.00001; gnomAD exomes 0.00001.
gnomAD v4.1: 16 of 1,613,740 alleles (0.00099%); highest among the groups gnomAD compares: Non-Finnish European, 0.0014%; no homozygotes.

Submission:

Labcorp Genetics (formerly Invitae), Labcorp
Classification: Pathogenic. Last evaluated: 2023-05-19. Review status: criteria provided, single submitter. Criteria: Invitae Variant Classification Sherloc (09022015). Collection method: clinical testing. Allele origin: germline.
Comment: This sequence change creates a premature translational stop signal (p.Gln1899*) in the TG gene. It is expected to result in an absent or disrupted protein product. Loss-of-function variants in TG are known to be pathogenic (PMID: 19837936, 23164529). This variant is not present in population databases (gnomAD no frequency). This variant has not been reported in the literature in individuals affected with TG-related conditions. For these reasons, this variant has been classified as Pathogenic.

Literature cited by the submitters: PubMed 19837936; PubMed 23164529.